The following is an entry in ClinVar:

ClinVar aggregate classification (germline): Uncertain significance (1 of 4 stars; one submission).

Allele frequency attached by ClinVar (database versions not stated): gnomAD exomes below 0.00001.
gnomAD v4.1: 1 of 1,614,124 alleles (0.000062%); highest among the groups gnomAD compares: Non-Finnish European, 0.000085%; no homozygotes.

Submission:

Labcorp Genetics (formerly Invitae), Labcorp
Classification: Uncertain significance. Last evaluated: 2020-06-24. Review status: criteria provided, single submitter. Criteria: Invitae Variant Classification Sherloc (09022015). Collection method: clinical testing. Allele origin: germline.
Comment: In summary, the available evidence is currently insufficient to determine the role of this variant in disease. Therefore, it has been classified as a Variant of Uncertain Significance. Algorithms developed to predict the effect of missense changes on protein structure and function are either unavailable or do not agree on the potential impact of this missense change (SIFT: "Tolerated"; PolyPhen-2: "Probably Damaging"; Align-GVGD: "Class C0"). This variant has not been reported in the literature in individuals with RDH11-related conditions. This variant is not present in population databases (ExAC no frequency). This sequence change replaces methionine with threonine at codon 132 of the RDH11 protein (p.Met132Thr). The methionine residue is moderately conserved and there is a moderate physicochemical difference between methionine and threonine.

NM_016026.4(RDH11):c.395T>C (p.Met132Thr)

Genes: GPHN (gephyrin; plus strand), RDH11 (retinol dehydrogenase 11; minus strand). Cytogenetic location: 14q24.1.
Variant type: single nucleotide variant.
Coding change: c.395T>C on transcript NM_016026.4 (MANE Select); coding-DNA position 395, T replaced by C.
Protein change: p.Met132Thr; replaces methionine 132 with threonine.
Molecular consequence: missense variant.
Genome position (GRCh38, 1-based): chr14:67,691,199, A>G on the plus strand (T>C on the coding strand, the complement: RDH11 is on the minus strand). VCF-style: chr14-67691199-A-G. GRCh37 (hg19) VCF-style: chr14-68157916-A-G.
Other names: c.395T>C, p.Met132Thr (NM_001252650.2); short protein forms M132T.
Identifiers: ClinVar variation 1026381 (VCV001026381.8), dbSNP rs2037745602, ClinGen allele CA390135817.